The following is an entry in ClinVar:

NC_000004.11:g.(?_120057671)_(120107365_?)dup

Gene: MYOZ2 (myozenin 2; plus strand). Cytogenetic location: 4q26.
Variant type: Duplication.
Identifiers: ClinVar variation 647463 (VCV000647463.3).

ClinVar aggregate classification (germline): Uncertain significance (1 of 4 stars; one submission).

Conditions:
Hypertrophic cardiomyopathy. Also called: HYPERTROPHIC MYOCARDIOPATHY. Identifiers: Orphanet 217569, MedGen C0007194, MeSH D002312, MONDO:0005045, HP:0001639.

Submission:

Labcorp Genetics (formerly Invitae), Labcorp
Classification: Uncertain significance for Hypertrophic cardiomyopathy. Last evaluated: 2019-12-30. Review status: criteria provided, single submitter. Criteria: Invitae Variant Classification Sherloc (09022015). Collection method: clinical testing. Allele origin: germline.
Comment: This variant results in a copy number gain of the genomic region encompassing the full coding sequence of the MYOZ2 gene. The boundaries of this event are unknown as they extend beyond the assayed region for this gene and therefore may encompass additional genes. As the precise location of this event is unknown, it may be in tandem or it may be located elsewhere in the genome. Isolated whole-gene copy number gains of MYOZ2 have not been reported in the literature. However, larger copy number events that include this gene have been reported (PMID: 22310962, 27788187). ClinVar contains an entry for this variant (Variation ID: 417577). In summary, the available evidence is currently insufficient to determine the role of this variant in disease. Therefore, it has been classified as a Variant of Uncertain Significance.

Literature cited by the submitters: PubMed 22310962; PubMed 27788187.